The following is an entry in ClinVar:

NM_005744.5(ARIH1):c.880C>A (p.Pro294Thr)

Gene: ARIH1 (ariadne RBR E3 ubiquitin protein ligase 1; plus strand). Cytogenetic location: 15q24.1.
Variant type: single nucleotide variant.
Coding change: c.880C>A on transcript NM_005744.5 (MANE Select); coding-DNA position 880, C replaced by A.
Protein change: p.Pro294Thr; replaces proline 294 with threonine.
Molecular consequence: missense variant.
Genome position (GRCh38, 1-based): chr15:72,563,469, C>A. VCF-style: chr15-72563469-C-A. GRCh37 (hg19) VCF-style: chr15-72855810-C-A.
Other names: short protein forms P294T.
Identifiers: ClinVar variation 1931374 (VCV001931374.5), dbSNP rs781125737, ClinGen allele CA393240572.

ClinVar aggregate classification (germline): Uncertain significance (1 of 4 stars; one submission).

Submission:

Labcorp Genetics (formerly Invitae), Labcorp
Classification: Uncertain significance. Last evaluated: 2023-05-23. Review status: criteria provided, single submitter. Criteria: Invitae Variant Classification Sherloc (09022015). Collection method: clinical testing. Allele origin: germline.
Comment: This sequence change replaces proline, which is neutral and non-polar, with threonine, which is neutral and polar, at codon 294 of the ARIH1 protein (p.Pro294Thr). This variant is not present in population databases (gnomAD no frequency). This variant has not been reported in the literature in individuals affected with ARIH1-related conditions. ClinVar contains an entry for this variant (Variation ID: 1931374). An algorithm developed to predict the effect of missense changes on protein structure and function (PolyPhen-2) suggests that this variant is likely to be disruptive. In summary, the available evidence is currently insufficient to determine the role of this variant in disease. Therefore, it has been classified as a Variant of Uncertain Significance.